The following is an entry in ClinVar:

ClinVar aggregate classification (germline): Uncertain significance (1 of 4 stars; one submission).

Conditions:
Regional enteritis. Also called: Enteritis, Granulomatous. Identifiers: MedGen C0678202, MeSH D003424.
Blau syndrome (BLAUS). Also called: GRANULOMATOSIS, FAMILIAL JUVENILE SYSTEMIC; GRANULOMATOSIS, FAMILIAL, BLAU TYPE; GRANULOMATOUS INFLAMMATORY ARTHRITIS, DERMATITIS, AND UVEITIS, FAMILIAL; JABS SYNDROME; ARTHROCUTANEOUVEAL GRANULOMATOSIS. Identifiers: Orphanet 90340, MedGen C5201146, MONDO:0008523, OMIM 186580.

Allele frequency attached by ClinVar (database versions not stated): gnomAD exomes 0.00002; ExAC 0.00003; gnomAD 0.00008 and 0.00009; TOPMed 0.00009; ESP Exome Variant Server 0.00023.
gnomAD v4.1: 17 of 1,611,742 alleles (0.0011%); highest among the groups gnomAD compares: African/African-American, 0.02%; no homozygotes.

Submission:

Labcorp Genetics (formerly Invitae), Labcorp
Classification: Uncertain significance for Regional enteritis; Blau syndrome. Last evaluated: 2025-01-21. Review status: criteria provided, single submitter. Criteria: Invitae Variant Classification Sherloc (09022015). Collection method: clinical testing. Allele origin: germline.
Comment: This sequence change replaces alanine, which is neutral and non-polar, with valine, which is neutral and non-polar, at codon 675 of the NOD2 protein (p.Ala675Val). This variant is present in population databases (rs138958152, gnomAD 0.03%). This variant has not been reported in the literature in individuals affected with NOD2-related conditions. ClinVar contains an entry for this variant (Variation ID: 1499646). Invitae Evidence Modeling of protein sequence and biophysical properties (such as structural, functional, and spatial information, amino acid conservation, physicochemical variation, residue mobility, and thermodynamic stability) has been performed for this missense variant. However, the output from this modeling did not meet the statistical confidence thresholds required to predict the impact of this variant on NOD2 protein function. In summary, the available evidence is currently insufficient to determine the role of this variant in disease. Therefore, it has been classified as a Variant of Uncertain Significance.

NM_001370466.1(NOD2):c.1943C>T (p.Ala648Val)

Gene: NOD2 (nucleotide binding oligomerization domain containing 2; plus strand). Cytogenetic location: 16q12.1.
Variant type: single nucleotide variant.
Coding change: c.1943C>T on transcript NM_001370466.1 (MANE Select); coding-DNA position 1943, C replaced by T.
Protein change: p.Ala648Val; replaces alanine 648 with valine.
Molecular consequence: missense variant. On other transcripts: non-coding transcript variant (1).
Genome position (GRCh38, 1-based): chr16:50,711,935, C>T. VCF-style: chr16-50711935-C-T. GRCh37 (hg19) VCF-style: chr16-50745846-C-T.
Other names: c.1943C>T, p.Ala648Val (NM_001293557.2); c.2024C>T, p.Ala675Val (NM_022162.3); short protein forms A648V, A675V.
Identifiers: ClinVar variation 1499646 (VCV001499646.6), dbSNP rs138958152, ClinGen allele CA8051675.